The following is an entry in ClinVar:

NM_001943.5(DSG2):c.1382A>T (p.Gln461Leu)

Gene: DSG2 (desmoglein 2; plus strand). Cytogenetic location: 18q12.1.
Variant type: single nucleotide variant.
Coding change: c.1382A>T on transcript NM_001943.5 (MANE Select); coding-DNA position 1382, A replaced by T.
Protein change: p.Gln461Leu; replaces glutamine 461 with leucine.
Molecular consequence: missense variant.
Genome position (GRCh38, 1-based): chr18:31,535,371, A>T. VCF-style: chr18-31535371-A-T. GRCh37 (hg19) VCF-style: chr18-29115334-A-T.
Other names: short protein forms Q461L.
Identifiers: ClinVar variation 4614019 (VCV004614019.1).
Genomic context (GRCh38, chr18:31,535,371, plus strand): 5'-ATTCTGTCACATCTGAAATTAAACTTGCAAAACTTCCTGATTTTGAATCTAGATATGTTC[A>T]AAATGGCACATACACTGTAAAGATTGTGGCCATATCAGAAGGTAAGTTATTAAATAGATC-3'
Protein context (NP_001934.2, residues 451-471): KLPDFESRYV[Gln461Leu]NGTYTVKIVA

ClinVar aggregate classification (germline): Uncertain significance (1 of 4 stars; one submission).

Conditions:
Cardiovascular phenotype. Identifiers: MedGen CN230736.

Submission:

Ambry Genetics
Classification: Uncertain significance for Cardiovascular phenotype. Last evaluated: 2025-11-10. Review status: criteria provided, single submitter. Criteria: Ambry Variant Classification Scheme 2023. Collection method: clinical testing. Allele origin: germline.
Comment: The p.Q461L variant (also known as c.1382A>T), located in coding exon 10 of the DSG2 gene, results from an A to T substitution at nucleotide position 1382. The glutamine at codon 461 is replaced by leucine, an amino acid with dissimilar properties. This amino acid position is conserved. In addition, this alteration is predicted to be tolerated by in silico analysis. Based on the available evidence, the clinical significance of this variant remains unclear.